The following is an entry in ClinVar:

ClinVar aggregate classification (germline): Uncertain significance (1 of 4 stars; one submission).

Submission:

CeGaT Center for Human Genetics Tuebingen
Classification: Uncertain significance. Last evaluated: 2024-03-01. Review status: criteria provided, single submitter. Criteria: CeGaT Center For Human Genetics Tuebingen Variant Classification Criteria Version 2. Collection method: clinical testing. Allele origin: germline. Affected: yes. Observed: 1 variant allele.
Comment: PLXNB3: PM2, BP4

NM_005393.3(PLXNB3):c.1633A>T (p.Thr545Ser)

Gene: PLXNB3 (plexin B3; plus strand). Cytogenetic location: Xq28.
Variant type: single nucleotide variant.
Coding change: c.1633A>T on transcript NM_005393.3 (MANE Select); coding-DNA position 1633, A replaced by T.
Protein change: p.Thr545Ser; replaces threonine 545 with serine.
Molecular consequence: missense variant.
Genome position (GRCh38, 1-based): chrX:153,770,095, A>T. VCF-style: chrX-153770095-A-T. GRCh37 (hg19) VCF-style: chrX-153035550-A-T.
Other names: c.1702A>T, p.Thr568Ser (NM_001163257.2); short protein forms T545S, T568S.
Identifiers: ClinVar variation 3067624 (VCV003067624.21), dbSNP rs782438501, ClinGen allele CA415101187.